The following is an entry in ClinVar:

ClinVar aggregate classification (germline): Uncertain significance (1 of 4 stars; one submission).

Conditions:
COG7 congenital disorder of glycosylation (CDG2E). Also called: CDG IIe; CONGENITAL DISORDER OF GLYCOSYLATION, TYPE IIe. Identifiers: Orphanet 79333, MedGen C2931010, MONDO:0012118, OMIM 608779.

Allele frequency attached by ClinVar (database versions not stated): gnomAD exomes below 0.00001; TOPMed below 0.00001; gnomAD 0.00001.
gnomAD v4.1: 2 of 1,613,780 alleles (0.00012%); highest among the groups gnomAD compares: Admixed American, 0.0017%; no homozygotes.

Submission:

Labcorp Genetics (formerly Invitae), Labcorp
Classification: Uncertain significance for COG7 congenital disorder of glycosylation. Last evaluated: 2022-02-24. Review status: criteria provided, single submitter. Criteria: Invitae Variant Classification Sherloc (09022015). Collection method: clinical testing. Allele origin: germline.
Comment: This variant has not been reported in the literature in individuals affected with COG7-related conditions. In summary, the available evidence is currently insufficient to determine the role of this variant in disease. Therefore, it has been classified as a Variant of Uncertain Significance. Algorithms developed to predict the effect of missense changes on protein structure and function are either unavailable or do not agree on the potential impact of this missense change (SIFT: "Deleterious"; PolyPhen-2: "Probably Damaging"; Align-GVGD: "Class C0"). This variant is not present in population databases (gnomAD no frequency). This sequence change replaces proline, which is neutral and non-polar, with arginine, which is basic and polar, at codon 168 of the COG7 protein (p.Pro168Arg).

NM_153603.4(COG7):c.503C>G (p.Pro168Arg)

Gene: COG7 (component of oligomeric golgi complex 7; minus strand). Cytogenetic location: 16p12.2.
Variant type: single nucleotide variant.
Coding change: c.503C>G on transcript NM_153603.4 (MANE Select); coding-DNA position 503, C replaced by G.
Protein change: p.Pro168Arg; replaces proline 168 with arginine.
Molecular consequence: missense variant.
Genome position (GRCh38, 1-based): chr16:23,442,578, G>C on the plus strand (C>G on the coding strand, the complement: COG7 is on the minus strand). VCF-style: chr16-23442578-G-C. GRCh37 (hg19) VCF-style: chr16-23453899-G-C.
Other names: short protein forms P168R.
Identifiers: ClinVar variation 1403488 (VCV001403488.6), dbSNP rs1385977854, ClinGen allele CA395116611.
Genomic context (GRCh38, chr16:23,442,578, plus strand): 5'-GCTAGGGCCTCCAGCCTGTTCTTCAGTGCCTCCAAGTGCACACACTTTTCTGAGTAGTCT[G>C]GTGTATCAACAAGCATCATTAAGCTGTTCTGCATACCTGTTAGCTTGGCAGAAATCACAG-3'
Protein context (NP_705831.1, residues 158-178): QNSLMMLVDT[Pro168Arg]DYSEKCVHLE